The following is an entry in ClinVar:

NM_020247.5(COQ8A):c.637C>T (p.Arg213Trp)

Gene: COQ8A (coenzyme Q8A; plus strand). Cytogenetic location: 1q42.13.
Variant type: single nucleotide variant.
Coding change: c.637C>T on transcript NM_020247.5 (MANE Select); coding-DNA position 637, C replaced by T.
Protein change: p.Arg213Trp; replaces arginine 213 with tryptophan.
Molecular consequence: missense variant.
Genome position (GRCh38, 1-based): chr1:226,965,719, C>T. VCF-style: chr1-226965719-C-T. GRCh37 (hg19) VCF-style: chr1-227153420-C-T.
Other names: 636C>T; short protein forms R213W.
Identifiers: ClinVar variation 3637 (VCV000003637.10), dbSNP rs119468005, ClinGen allele CA116400.

ClinVar aggregate classification (germline): Pathogenic/Likely pathogenic. Review status: criteria provided, multiple submitters, no conflicts (2 of 4 stars). 6 submissions from 6 submitters: Pathogenic (3); Likely pathogenic (1). 2 of the submissions do not count toward it. Last evaluated 2025-11-25.

Conditions:
Autosomal recessive ataxia due to ubiquinone deficiency. Also called: Coenzyme Q10 deficiency, primary, 4; SPINOCEREBELLAR ATAXIA, AUTOSOMAL RECESSIVE 9. Identifiers: Orphanet 139485, MedGen C2677589, MONDO:0012784, OMIM 612016.

Allele frequency attached by ClinVar (database versions not stated): TOPMed 0.00002; gnomAD exomes 0.00001; ExAC 0.00001; gnomAD 0.00001.
gnomAD v4.1: 13 of 1,613,776 alleles (0.00081%); highest among the groups gnomAD compares: African/African-American, 0.0027%; no homozygotes.

Submissions (6):

3billion
Classification: Pathogenic for Autosomal recessive ataxia due to ubiquinone deficiency. Last evaluated: 2025-11-25. Review status: criteria provided, single submitter. Criteria: ACMG Guidelines, 2015. Collection method: clinical testing. Allele origin: germline. Affected: yes.
Comment: The variant is observed at an extremely low frequency in the gnomAD v4.1.0 dataset (total allele frequency: <0.001%). Predicted Consequence/Location: Missense variant Functional studies provide supporting evidence of the variant having a damaging effect on the gene or gene product (PMID: 18319072). In silico tool predictions suggest damaging effect of the variant on gene or gene product [REVEL: 0.61 (>=0.6, sensitivity 0.68 and specificity 0.92)]. The same nucleotide change resulting in the same amino acid change has been previously reported as pathogenic/likely pathogenic with strong evidence (ClinVar ID: VCV000003637 /PMID: 18319072 /3billion dataset). Different missense changes at the same codon (p.Arg213Gln, p.Arg213Gly) have been reported as pathogenic/likely pathogenic with strong evidence (ClinVar ID: VCV000666357, VCV000806371 /PMID: 32337771, 34712575). Therefore, this variant is classified as Pathogenic according to the recommendation of ACMG/AMP guideline.

Dasa
Classification: Likely pathogenic. Last evaluated: 2025-10-06. Review status: criteria provided, single submitter. Criteria: DASA Assertion Criteria. Collection method: clinical testing. Allele origin: germline.
Comment: NM_020247.5(COQ8A):c.637C>T (p.Arg213Trp) is a missense variant that results in the substitution of arginine with tryptophan. Functional evidence supports a deleterious effect on the gene or gene product (PMID: 18319072; PMID: 32337771). This variant has been recurrently observed in individuals with related phenotype (PMID: 18319072; PMID: 32337771). The variant is present at low frequency in population datasets. Based on the available data, this variant is classified as likely pathogenic.

Labcorp Genetics (formerly Invitae), Labcorp
Classification: Pathogenic. Last evaluated: 2024-04-12. Review status: criteria provided, single submitter. Criteria: Invitae Variant Classification Sherloc (09022015). Collection method: clinical testing. Allele origin: germline.
Comment: This sequence change replaces arginine, which is basic and polar, with tryptophan, which is neutral and slightly polar, at codon 213 of the COQ8A protein (p.Arg213Trp). This variant is present in population databases (rs119468005, gnomAD 0.01%). This missense change has been observed in individual(s) with COQ8A-related condition (PMID: 18319072). In at least one individual the data is consistent with being in trans (on the opposite chromosome) from a pathogenic variant. It has also been observed to segregate with disease in related individuals. ClinVar contains an entry for this variant (Variation ID: 3637). Advanced modeling of protein sequence and biophysical properties (such as structural, functional, and spatial information, amino acid conservation, physicochemical variation, residue mobility, and thermodynamic stability) has been performed at Invitae for this missense variant, however the output from this modeling did not meet the statistical confidence thresholds required to predict the impact of this variant on COQ8A protein function. Experimental studies have shown that this missense change affects COQ8A function (PMID: 18319072). This variant disrupts the p.Arg213 amino acid residue in COQ8A. Other variant(s) that disrupt this residue have been determined to be pathogenic (PMID: 32337771). This suggests that this residue is clinically significant, and that variants that disrupt this residue are likely to be disease-causing. For these reasons, this variant has been classified as Pathogenic.

Breakthrough Genomics
Classification: Pathogenic for Autosomal recessive ataxia due to ubiquinone deficiency. Last evaluated: 2021-01-15. Review status: criteria provided, single submitter. Criteria: ACMG Guidelines, 2015. Collection method: clinical testing. Allele origin: germline. Affected: yes.
Comment: This variant was previously reported in patients with coenzyme Q10 deficiency [PMID: 18319072, 22036850] and was classified as pathogenic [PMID: 28125198]. Functional studies using site-directed mutagenesis revealed that the cells harboring mutant in yeast resulted in a respiratory phenotype with no or decreased growth on glycerol medium and a severe reduction in ubiquinone synthesis [PMID: 18319072].

OMIM
Classification: Pathogenic for COENZYME Q10 DEFICIENCY, PRIMARY, 4. Last evaluated: 2008-03-01. Review status: no assertion criteria provided. Collection method: literature only. Allele origin: germline. Not counted in ClinVar's aggregate classification.

GeneReviews
No classification provided. Condition: Autosomal recessive ataxia due to ubiquinone deficiency. Review status: no classification provided. Collection method: literature only. Allele origin: germline. Not counted in ClinVar's aggregate classification.

Literature cited by the submitters: PubMed 18319072 (cited by 4 submitters); PubMed 32337771 (cited by 3 submitters); NCBI Bookshelf NBK410087 (cited by GeneReviews).